The following is an entry in ClinVar:

ClinVar aggregate classification (germline): Benign (1 of 4 stars; one submission).

Conditions:
X-linked lymphoproliferative disease due to SH2D1A deficiency (XLP1). Also called: EBV infection severe susceptibility to; Epstein Barr virus infection familial fatal; Duncan's syndrome; DUNCAN DISEASE; IMMUNODEFICIENCY 5; IMMUNODEFICIENCY, X-LINKED PROGRESSIVE COMBINED VARIABLE. Identifiers: Orphanet 2442, Orphanet 538931, MedGen C5399825, MONDO:0024551, OMIM 308240.

Allele frequency attached by ClinVar (database versions not stated): gnomAD exomes 0.00019; gnomAD 0.00031 and 0.00032; TOPMed 0.00047; 1000 Genomes Project 0.00079; 1000 Genomes Project 30x 0.00104.
gnomAD v4.1: 43 of 152,384 alleles (0.028%); highest among the groups gnomAD compares: African/African-American, 0.12%; no homozygotes.

Submission:

Illumina Laboratory Services, Illumina
Classification: Benign for X-linked lymphoproliferative disease due to SH2D1A deficiency. Last evaluated: 2018-01-13. Review status: criteria provided, single submitter. Criteria: ICSL Variant Classification Criteria 13 December 2019. Collection method: clinical testing. Allele origin: germline.
Comment: This variant was observed in the ICSL laboratory as part of a predisposition screen in an ostensibly healthy population. It had not been previously curated by ICSL or reported in the Human Gene Mutation Database (HGMD: prior to June 1st, 2018), and was therefore a candidate for classification through an automated scoring system. Utilizing variant allele frequency, disease prevalence and penetrance estimates, and inheritance mode, an automated score was calculated to assess if this variant is too frequent to cause the disease. Based on the score and internal cut-off values, a variant classified as benign is not then subjected to further curation. The score for this variant resulted in a classification of benign for this disease.

NM_002351.5(SH2D1A):c.*1689C>A

Gene: SH2D1A (SH2 domain containing 1A; plus strand). Cytogenetic location: Xq25.
Variant type: single nucleotide variant.
Coding change: c.*1689C>A on transcript NM_002351.5 (MANE Select); 1689 bases downstream of the stop codon, C replaced by A.
Molecular consequence: 3 prime UTR variant.
Genome position (GRCh38, 1-based): chrX:124,373,080, C>A. VCF-style: chrX-124373080-C-A. GRCh37 (hg19) VCF-style: chrX-123506930-C-A.
Other names: c.*1689C>A (NM_001114937.3).
Identifiers: ClinVar variation 367886 (VCV000367886.5), dbSNP rs186082107, ClinGen allele CA10651685.
Genomic context (GRCh38, chrX:124,373,080, plus strand): 5'-GTGTTCATTCTGGAATAATCCTAAACATATGAATTATGTTTGCATGTTCACTTCCAAGAG[C>A]CTTTTTTTGAAAAAAAGCTTTTTTTGAATCATCAAGTCTTTCACATTTAAATAAAGTGTT-3'